The following is an entry in ClinVar:

ClinVar aggregate classification (germline): Uncertain significance. Review status: criteria provided, multiple submitters, no conflicts (2 of 4 stars). 5 submissions from 5 submitters: Uncertain significance (5). Last evaluated 2025-04-30.

Conditions:
Familial thoracic aortic aneurysm and aortic dissection (TAAD). Also called: Thoracic aortic aneurysms and dissections. Identifiers: Orphanet 91387, MedGen C4707243, MONDO:0019625.
Marfan syndrome (MFS). Also called: Marfan syndrome type 1; Marfan's syndrome; Marfan syndrome, classic; MARFAN SYNDROME, TYPE I; FBN1-Related Marfan Syndrome. Identifiers: Orphanet 284963, Orphanet 558, MedGen C0024796, MONDO:0007947, OMIM 154700.
Geleophysic dysplasia 2 (GPHYSD2). Identifiers: Orphanet 2623, MedGen C3280054, MONDO:0013612, OMIM 614185.
Progeroid and marfanoid aspect-lipodystrophy syndrome. Also called: MARFANOID-PROGEROID-LIPODYSTROPHY SYNDROME; MARFANOID-PROGEROID SYNDROME; MARFAN-PROGEROID-LIPODYSTROPHY SYNDROME; Marfan lipodystrophy syndrome. Identifiers: Orphanet 300382, MedGen C4310796, MONDO:0014831, OMIM 616914.
Ectopia lentis 1, isolated, autosomal dominant (ECTOL1). Identifiers: Orphanet 1885, MedGen C3541518, MONDO:0007514, OMIM 129600.
Stiff skin syndrome (SSKS). Identifiers: Orphanet 2833, MedGen C1861456, MONDO:0008492, OMIM 184900.
Acromicric dysplasia (ACMICD). Also called: Acromicric skeletal dysplasia. Identifiers: Orphanet 969, MedGen C0265287, MONDO:0007055, OMIM 102370.
MASS syndrome (OCTD). Also called: MASS PHENOTYPE; OVERLAP CONNECTIVE TISSUE DISEASE. Identifiers: MedGen C1858556, MONDO:0011431, OMIM 604308.
Weill-Marchesani syndrome 2, dominant. Also called: Weill-Marchesani Syndrome, Autosomal Dominant; FBN1-Related Weill-Marchesani Syndrome. Identifiers: Orphanet 2084, MedGen C1869115, MONDO:0012013, OMIM 608328.

Allele frequency attached by ClinVar (database versions not stated): gnomAD 0.00001.
gnomAD v4.1: 11 of 1,614,048 alleles (0.00068%); highest among the groups gnomAD compares: Admixed American, 0.0083%; no homozygotes.

Submissions (5):

Labcorp Genetics (formerly Invitae), Labcorp
Classification: Uncertain significance for Marfan syndrome; Familial thoracic aortic aneurysm and aortic dissection. Last evaluated: 2025-04-30. Review status: criteria provided, single submitter. Criteria: Invitae Variant Classification Sherloc (09022015). Collection method: clinical testing. Allele origin: germline.
Comment: This sequence change replaces arginine, which is basic and polar, with histidine, which is basic and polar, at codon 344 of the FBN1 protein (p.Arg344His). This variant is present in population databases (no rsID available, gnomAD 0.01%). This variant has not been reported in the literature in individuals affected with FBN1-related conditions. ClinVar contains an entry for this variant (Variation ID: 1171659). Invitae Evidence Modeling of protein sequence and biophysical properties (such as structural, functional, and spatial information, amino acid conservation, physicochemical variation, residue mobility, and thermodynamic stability) indicates that this missense variant is expected to disrupt FBN1 protein function with a positive predictive value of 95%. In summary, the available evidence is currently insufficient to determine the role of this variant in disease. Therefore, it has been classified as a Variant of Uncertain Significance.

Ambry Genetics
Classification: Uncertain significance for Familial thoracic aortic aneurysm and aortic dissection. Last evaluated: 2025-04-23. Review status: criteria provided, single submitter. Criteria: Ambry Variant Classification Scheme 2023. Collection method: clinical testing. Allele origin: germline.
Comment: The p.R344H variant (also known as c.1031G>A), located in coding exon 9 of the FBN1 gene, results from a G to A substitution at nucleotide position 1031. The arginine at codon 344 is replaced by histidine, an amino acid with highly similar properties. This variant was reported in individual(s) with features consistent with Marfan syndrome (Han D et al. Mol Genet Genomic Med, 2024 Jul;12:e2482). Based on data from gnomAD, the frequency for this variant is above the maximum credible frequency for a disease-causing variant in this gene based on internally established thresholds (Karczewski et al. Nature. 2020 May;581(7809):434-443; Whiffin et al. Genet Med. 2017 10;19:1151-1158). This amino acid position is highly conserved in available vertebrate species. In addition, this alteration is predicted to be deleterious by in silico analysis. Based on the available evidence, the clinical significance of this variant remains unclear.

All of Us Research Program, National Institutes of Health
Classification: Uncertain significance for Marfan syndrome. Last evaluated: 2024-08-13. Review status: criteria provided, single submitter. Criteria: ACMG Guidelines, 2015. Collection method: clinical testing. Allele origin: germline. Inheritance: Autosomal dominant inheritance. Observed: 3 variant alleles, 3 heterozygotes.
Comment: This missense variant replaces arginine with histidine at codon 344 of the FBN1 protein. Computational prediction suggests that this variant may have deleterious impact on protein structure and function (internally defined REVEL score threshold >= 0.7, PMID: 27666373). To our knowledge, functional studies have not been reported for this variant. This variant has not been reported in individuals affected with cardiovascular disorders in the literature. This variant has been identified in 6/251322 chromosomes in the general population by the Genome Aggregation Database (gnomAD). The available evidence is insufficient to determine the role of this variant in disease conclusively. Therefore, this variant is classified as a Variant of Uncertain Significance.

This study involves interpretation of variants in research participants for the purpose of population health screening. Participant phenotype was not available at the time of variant classification. Additional details can be found in publication PMID: 35346344, PMCID: PMC8962531

Color Diagnostics, LLC DBA Color Health
Classification: Uncertain significance for Familial thoracic aortic aneurysm and aortic dissection. Last evaluated: 2024-07-12. Review status: criteria provided, single submitter. Criteria: ACMG Guidelines, 2015. Collection method: clinical testing. Allele origin: germline.
Comment: This missense variant replaces arginine with histidine at codon 344 of the FBN1 protein. Computational prediction tools indicate that this variant has a deleterious impact on protein structure and function. To our knowledge, functional studies have not been reported for this variant. This variant has been reported in an individual affected with Marfan syndrome (PMID: 38958168). This variant has been identified in 6/251322 chromosomes in the general population by the Genome Aggregation Database (gnomAD). The available evidence is insufficient to determine the role of this variant in disease conclusively. Therefore, this variant is classified as a Variant of Uncertain Significance.

Fulgent Genetics
Classification: Uncertain significance for Acromicric dysplasia; Ectopia lentis 1, isolated, autosomal dominant; Marfan syndrome; Stiff skin syndrome; MASS syndrome; Weill-Marchesani syndrome 2, dominant; Geleophysic dysplasia 2; Progeroid and marfanoid aspect-lipodystrophy syndrome. Last evaluated: 2021-09-10. Review status: criteria provided, single submitter. Criteria: ACMG Guidelines, 2015. Collection method: clinical testing. Allele origin: unknown.

Literature cited by the submitters: PubMed 38958168 (cited by Ambry Genetics and Color Diagnostics, LLC DBA Color Health).

NM_000138.5(FBN1):c.1031G>A (p.Arg344His)

Genes: FBN1 (fibrillin 1; minus strand), LOC113939944 (Sharpr-MPRA regulatory region 9539; plus strand). Cytogenetic location: 15q21.1.
Variant type: single nucleotide variant.
Coding change: c.1031G>A on transcript NM_000138.5 (MANE Select); coding-DNA position 1031, G replaced by A.
Protein change: p.Arg344His; replaces arginine 344 with histidine.
Molecular consequence: missense variant.
Genome position (GRCh38, 1-based): chr15:48,520,775, C>T on the plus strand (G>A on the coding strand, the complement: FBN1 is on the minus strand). VCF-style: chr15-48520775-C-T. GRCh37 (hg19) VCF-style: chr15-48812972-C-T.
Other names: short protein forms R344H.
Identifiers: ClinVar variation 1171659 (VCV001171659.11), dbSNP rs200388305, ClinGen allele CA392347821.